The following is an entry in ClinVar:

ClinVar aggregate classification (germline): Benign/Likely benign. Review status: criteria provided, multiple submitters, no conflicts (2 of 4 stars). 3 submissions from 3 submitters: Benign (2); Likely benign (1). Last evaluated 2026-04-08.

Allele frequency attached by ClinVar (database versions not stated): gnomAD exomes 0.00003 and 0.00009; ExAC 0.00007; ESP Exome Variant Server 0.00015; 1000 Genomes Project 30x 0.00016; 1000 Genomes Project 0.00020; gnomAD 0.00026 and 0.00030; TOPMed 0.00031.
gnomAD v4.1: 80 of 1,613,810 alleles (0.005%); highest among the groups gnomAD compares: African/African-American, 0.095%; no homozygotes.

Submissions (3):

Women's Health and Genetics/Laboratory Corporation of America, LabCorp
Classification: Benign. Last evaluated: 2026-04-08. Review status: criteria provided, single submitter. Criteria: LabCorp Variant Classification Summary - May 2015. Collection method: clinical testing. Allele origin: germline.
Comment: Variant summary: MTOR c.5244C>A (p.Ala1748Ala) alters a conserved nucleotide located close to a canonical splice site and therefore could affect mRNA splicing, leading to a significantly altered protein sequence. Consensus agreement among computation tools predict no significant impact on normal splicing. However, these predictions have yet to be confirmed by functional studies. The variant allele was found at a frequency of 8.8e-05 in 251288 control chromosomes, predominantly at a frequency of 0.0012 within the African or African-American subpopulation in the gnomAD database. The observed variant frequency within African or African-American control individuals in the gnomAD database exceeds the estimated maximal expected allele frequency for disease-causing variants in MTOR. To our knowledge, no occurrence of c.5244C>A in individuals affected with MTOR-related conditions and no experimental evidence demonstrating its impact on protein function have been reported. ClinVar contains an entry for this variant (Variation ID: 700521). Based on the evidence outlined above, the variant was classified as benign.

Labcorp Genetics (formerly Invitae), Labcorp
Classification: Likely benign. Last evaluated: 2025-11-26. Review status: criteria provided, single submitter. Criteria: Invitae Variant Classification Sherloc (09022015). Collection method: clinical testing. Allele origin: germline.

GeneDx
Classification: Benign. Last evaluated: 2020-04-08. Review status: criteria provided, single submitter. Criteria: GeneDx Variant Classification Process June 2021. Collection method: clinical testing. Allele origin: germline. Affected: yes.

NM_004958.4(MTOR):c.5244C>A (p.Ala1748=)

Gene: MTOR (mechanistic target of rapamycin kinase; minus strand). Cytogenetic location: 1p36.22.
Variant type: single nucleotide variant.
Coding change: c.5244C>A on transcript NM_004958.4 (MANE Select); coding-DNA position 5244, C replaced by A.
Protein change: p.Ala1748=; no amino-acid change (alanine 1748 retained).
Molecular consequence: synonymous variant.
Genome position (GRCh38, 1-based): chr1:11,134,353, G>T on the plus strand (C>A on the coding strand, the complement: MTOR is on the minus strand). VCF-style: chr1-11134353-G-T. GRCh37 (hg19) VCF-style: chr1-11194410-G-T.
Identifiers: ClinVar variation 700521 (VCV000700521.13), dbSNP rs144768080, ClinGen allele CA589415.